The following is an entry in ClinVar:

NM_003640.5(ELP1):c.3856-221C>A

Gene: ELP1 (elongator acetyltransferase complex subunit 1; minus strand). Cytogenetic location: 9q31.3.
Variant type: single nucleotide variant.
Coding change: c.3856-221C>A on transcript NM_003640.5 (MANE Select); 221 bases into the intron before coding-DNA position 3856, C replaced by A.
Molecular consequence: intron variant.
Genome position (GRCh38, 1-based): chr9:108,875,191, G>T on the plus strand (C>A on the coding strand, the complement: ELP1 is on the minus strand). VCF-style: chr9-108875191-G-T. GRCh37 (hg19) VCF-style: chr9-111637471-G-T.
Other names: c.3514-221C>A (NM_001318360.2); c.2809-221C>A (NM_001330749.2).
Identifiers: ClinVar variation 681952 (VCV000681952.2), dbSNP rs4978753, ClinGen allele CA15596898.
Genomic context (GRCh38, chr9:108,875,191, plus strand): 5'-GTTTCTCCAGCTGCAACTCAGACTTCTAATTCTCCTTTCTCCCAGAACAAGGTAAAGATG[G>T]GGGGTGGAGGAAAAGAAAAGAAACGAAACTCTACAGTGATATATCTTGGCCTTTTCTAAA-3'

ClinVar aggregate classification (germline): Benign. Review status: criteria provided, multiple submitters, no conflicts (2 of 4 stars). 2 submissions from 2 submitters: Benign (2). Last evaluated 2018-06-19.

Allele frequency attached by ClinVar (database versions not stated): gnomAD 0.21768 and 0.21898; TOPMed 0.22072; 1000 Genomes Project 30x 0.24391; 1000 Genomes Project 0.24561.
gnomAD v4.1: 33,124 of 152,110 alleles (22%); highest among the groups gnomAD compares: African/African-American, 32%; 4,015 homozygotes.

Submissions (2):

GeneDx
Classification: Benign. Last evaluated: 2018-06-19. Review status: criteria provided, single submitter. Criteria: GeneDx Variant Classification (06012015). Collection method: clinical testing. Allele origin: germline. Affected: yes.
Comment: This variant is considered likely benign or benign based on one or more of the following criteria: it is a conservative change, it occurs at a poorly conserved position in the protein, it is predicted to be benign by multiple in silico algorithms, and/or has population frequency not consistent with disease.

Breakthrough Genomics
Classification: Benign. Review status: criteria provided, single submitter. Criteria: ACMG Guidelines, 2015. Collection method: not provided. Allele origin: germline. Inheritance: Autosomal recessive inheritance. Affected: yes.